The following is an entry in ClinVar:

ClinVar aggregate classification (germline): Likely benign (1 of 4 stars; one submission).

gnomAD v4.1: 52 of 1,209,212 alleles (0.0043%); highest among the groups gnomAD compares: East Asian, 0.0089%; no homozygotes.

Submission:

CeGaT Center for Human Genetics Tuebingen
Classification: Likely benign. Last evaluated: 2026-06-01. Review status: criteria provided, single submitter. Criteria: CeGaT Center For Human Genetics Tuebingen Variant Classification Criteria Version 2. Collection method: clinical testing. Allele origin: germline. Affected: yes. Observed: 1 variant allele.
Comment: XPNPEP2: BP4, BP7, BS2

NM_003399.6(XPNPEP2):c.1299G>A (p.Pro433=)

Gene: XPNPEP2 (X-prolyl aminopeptidase 2; plus strand). Cytogenetic location: Xq26.1.
Variant type: single nucleotide variant.
Coding change: c.1299G>A on transcript NM_003399.6 (MANE Select); coding-DNA position 1299, G replaced by A.
Protein change: p.Pro433=; no amino-acid change (proline 433 retained).
Molecular consequence: synonymous variant.
Genome position (GRCh38, 1-based): chrX:129,756,487, G>A. VCF-style: chrX-129756487-G-A. GRCh37 (hg19) VCF-style: chrX-128890463-G-A.
Identifiers: ClinVar variation 4873282 (VCV004873282.2).